The following is an entry in ClinVar:

ClinVar aggregate classification (germline): Uncertain significance (1 of 4 stars; one submission).

Conditions:
RASopathy. Also called: Noonan spectrum disorder; rasopathies. Identifiers: Orphanet 536391, MedGen C5555857, MONDO:0021060.

Submission:

Labcorp Genetics (formerly Invitae), Labcorp
Classification: Uncertain significance for RASopathy. Last evaluated: 2022-08-06. Review status: criteria provided, single submitter. Criteria: Invitae Variant Classification Sherloc (09022015). Collection method: clinical testing. Allele origin: germline.
Comment: In summary, the available evidence is currently insufficient to determine the role of this variant in disease. Therefore, it has been classified as a Variant of Uncertain Significance. Experimental studies and prediction algorithms are not available or were not evaluated, and the functional significance of this variant is currently unknown. This variant has not been reported in the literature in individuals affected with MAP2K2-related conditions. This variant results in a copy number gain of the genomic region encompassing exon(s) 4-10 of the MAP2K2 gene. While the exact position of this variant cannot be determined from the data, sub-genic copy number gains are generally in tandem (PMID: 25640679). This variant is predicted to be in-frame, and likely preserves the integrity of the reading frame.

Literature cited by the submitters: PubMed 25640679.

NC_000019.9:g.(?_4094110)_(4102471_?)dup

Gene: MAP2K2 (mitogen-activated protein kinase kinase 2; minus strand). Cytogenetic location: 19p13.3.
Variant type: Duplication.
Identifiers: ClinVar variation 2426939 (VCV002426939.4).